The following is an entry in ClinVar:

ClinVar aggregate classification (germline): Uncertain significance (1 of 4 stars; one submission).

Submission:

GeneDx
Classification: Uncertain significance. Last evaluated: 2024-09-12. Review status: criteria provided, single submitter. Criteria: GeneDx Variant Classification Process June 2021. Collection method: clinical testing. Allele origin: germline. Affected: yes.
Comment: Not observed at significant frequency in large population cohorts (gnomAD); In silico analysis supports that this missense variant has a deleterious effect on protein structure/function; Has not been previously published as pathogenic or benign to our knowledge

NM_016148.5(SHANK1):c.2350C>G (p.Leu784Val)

Gene: SHANK1 (SH3 and multiple ankyrin repeat domains 1; minus strand). Cytogenetic location: 19q13.33.
Variant type: single nucleotide variant.
Coding change: c.2350C>G on transcript NM_016148.5 (MANE Select); coding-DNA position 2350, C replaced by G.
Protein change: p.Leu784Val; replaces leucine 784 with valine.
Molecular consequence: missense variant.
Genome position (GRCh38, 1-based): chr19:50,687,621, G>C on the plus strand (C>G on the coding strand, the complement: SHANK1 is on the minus strand). VCF-style: chr19-50687621-G-C. GRCh37 (hg19) VCF-style: chr19-51190878-G-C.
Other names: short protein forms L784V.
Identifiers: ClinVar variation 3769853 (VCV003769853.1).